The following is an entry in ClinVar:

ClinVar aggregate classification (germline): Conflicting classifications of pathogenicity. Review status: criteria provided, conflicting classifications (1 of 4 stars). 4 submissions from 4 submitters: Uncertain significance (1); Likely benign (3). Last evaluated 2025-10-14.

Conditions:
Hereditary cancer-predisposing syndrome. Also called: Tumor predisposition; Neoplastic Syndromes, Hereditary; Hereditary Cancer Syndrome; Hereditary neoplastic syndrome. Identifiers: Orphanet 140162, MedGen C0027672, MeSH D009386, MONDO:0015356.
Familial cancer of breast. Also called: BREAST CANCER, FAMILIAL; hereditary breast carcinoma; Hereditary breast cancer. Identifiers: Orphanet 227535, MedGen C0346153, MONDO:0016419, OMIM 114480. Disease mechanism: loss of function.
Ataxia-telangiectasia syndrome (AT). Also called: Ataxia-telangiectasia; Ataxia-telangiectasia, complementation group D; AT, COMPLEMENTATION GROUP C; LOUIS-BAR SYNDROME; Cerebello-oculocutaneous telangiectasia; Immunodeficiency with ataxia telangiectasia. Identifiers: Orphanet 100, MedGen C0004135, MONDO:0008840, OMIM 208900.

Allele frequency attached by ClinVar (database versions not stated): gnomAD exomes 0.00001.
gnomAD v4.1: 21 of 1,612,702 alleles (0.0013%); highest among the groups gnomAD compares: Non-Finnish European, 0.0017%; no homozygotes.

Submissions (4):

Labcorp Genetics (formerly Invitae), Labcorp
Classification: Likely benign for Ataxia-telangiectasia syndrome. Last evaluated: 2025-10-14. Review status: criteria provided, single submitter. Criteria: Invitae Variant Classification Sherloc (09022015). Collection method: clinical testing. Allele origin: germline.

Myriad Genetics, Inc.
Classification: Likely benign for Familial cancer of breast. Last evaluated: 2024-05-10. Review status: criteria provided, single submitter. Criteria: Myriad Autosomal Dominant, Autosomal Recessive and X-Linked Classification Criteria (2023). Collection method: clinical testing. Allele origin: unknown.
Comment: This variant is considered likely benign. This variant is intronic and is not expected to impact mRNA splicing.

Color Diagnostics, LLC DBA Color Health
Classification: Uncertain significance for Hereditary cancer-predisposing syndrome. Last evaluated: 2018-09-11. Review status: criteria provided, single submitter. Criteria: ACMG Guidelines, 2015. Collection method: clinical testing. Allele origin: germline.

GeneDx
Classification: Likely benign. Last evaluated: 2017-02-20. Review status: criteria provided, single submitter. Criteria: GeneDx Variant Classification (06012015). Collection method: clinical testing. Allele origin: germline. Affected: yes.
Comment: This variant is considered likely benign or benign based on one or more of the following criteria: it is a conservative change, it occurs at a poorly conserved position in the protein, it is predicted to be benign by multiple in silico algorithms, and/or has population frequency not consistent with disease.

NM_000051.4(ATM):c.2838+10G>A

Gene: ATM (ATM serine/threonine kinase; plus strand). Cytogenetic location: 11q22.3.
Variant type: single nucleotide variant.
Coding change: c.2838+10G>A on transcript NM_000051.4 (MANE Select); 10 bases into the intron after coding-DNA position 2838, G replaced by A.
Molecular consequence: intron variant.
Genome position (GRCh38, 1-based): chr11:108,268,619, G>A. VCF-style: chr11-108268619-G-A. GRCh37 (hg19) VCF-style: chr11-108139346-G-A.
Other names: c.2838+10G>A (NM_001351834.2).
Identifiers: ClinVar variation 490494 (VCV000490494.15), dbSNP rs1555083482, ClinGen allele CA658683757.
Genomic context (GRCh38, chr11:108,268,619, plus strand): 5'-TTAATTGATTCTAGCACGCTAGAACCTACCAAATCCCTCCACCTGCATATGGTGAGTTAC[G>A]TTAAATGAAGAAGCTCTTGGATTTTATCTGATGTTGCTGACTAAATGTAATGAGTTGACA-3'